The following is an entry in ClinVar:

NM_015404.4(WHRN):c.1724G>T (p.Gly575Val)

Gene: WHRN (whirlin; minus strand). Cytogenetic location: 9q32.
Variant type: single nucleotide variant.
Coding change: c.1724G>T on transcript NM_015404.4 (MANE Select); coding-DNA position 1724, G replaced by T.
Protein change: p.Gly575Val; replaces glycine 575 with valine.
Molecular consequence: missense variant.
Genome position (GRCh38, 1-based): chr9:114,406,867, C>A on the plus strand (G>T on the coding strand, the complement: WHRN is on the minus strand). VCF-style: chr9-114406867-C-A. GRCh37 (hg19) VCF-style: chr9-117169147-C-A.
Other names: c.575G>T, p.Gly192Val (NM_001083885.3); c.1724G>T, p.Gly575Val (NM_001173425.2); c.671G>T, p.Gly224Val (NM_001346890.1); short protein forms G192V, G575V, G224V.
Identifiers: ClinVar variation 1946811 (VCV001946811.5), dbSNP rs767694333, ClinGen allele CA374621042.

ClinVar aggregate classification (germline): Uncertain significance (1 of 4 stars; one submission).

Submission:

Labcorp Genetics (formerly Invitae), Labcorp
Classification: Uncertain significance. Last evaluated: 2022-03-16. Review status: criteria provided, single submitter. Criteria: Invitae Variant Classification Sherloc (09022015). Collection method: clinical testing. Allele origin: germline.
Comment: In summary, the available evidence is currently insufficient to determine the role of this variant in disease. Therefore, it has been classified as a Variant of Uncertain Significance. Algorithms developed to predict the effect of missense changes on protein structure and function (SIFT, PolyPhen-2, Align-GVGD) all suggest that this variant is likely to be tolerated. This variant has not been reported in the literature in individuals affected with WHRN-related conditions. This variant is not present in population databases (gnomAD no frequency). This sequence change replaces glycine, which is neutral and non-polar, with valine, which is neutral and non-polar, at codon 575 of the WHRN protein (p.Gly575Val).